The following is an entry in ClinVar:

ClinVar aggregate classification (germline): Uncertain significance (1 of 4 stars; one submission).

Submission:

GeneDx
Classification: Uncertain significance. Last evaluated: 2025-08-11. Review status: criteria provided, single submitter. Criteria: GeneDx Variant Classification Process June 2021. Collection method: clinical testing. Allele origin: germline. Affected: yes.
Comment: Not observed at significant frequency in large population cohorts (gnomAD); In silico analysis supports that this missense variant has a deleterious effect on protein structure/function; Has not been previously published as pathogenic or benign to our knowledge

NM_001235.5(SERPINH1):c.642C>G (p.Phe214Leu)

Gene: SERPINH1 (serpin family H member 1; plus strand). Cytogenetic location: 11q13.5.
Variant type: single nucleotide variant.
Coding change: c.642C>G on transcript NM_001235.5 (MANE Select); coding-DNA position 642, C replaced by G.
Protein change: p.Phe214Leu; replaces phenylalanine 214 with leucine.
Molecular consequence: missense variant. On other transcripts: intron variant (1).
Genome position (GRCh38, 1-based): chr11:75,568,750, C>G. VCF-style: chr11-75568750-C-G. GRCh37 (hg19) VCF-style: chr11-75279795-C-G.
Other names: c.642C>G, p.Phe214Leu (NM_001207014.3, NM_001440311.1, NM_001440312.1 and 4 more transcripts); c.623-189C>G (NM_001440317.1); short protein forms F214L.
Identifiers: ClinVar variation 4795675 (VCV004795675.1).